The following is an entry in ClinVar:

ClinVar aggregate classification (germline): Uncertain significance. Review status: criteria provided, multiple submitters, no conflicts (2 of 4 stars). 2 submissions from 2 submitters: Uncertain significance (2). Last evaluated 2023-12-28.

Conditions:
Inborn genetic diseases. Identifiers: MedGen C0950123, MeSH D030342.
Aicardi-Goutieres syndrome 5. Identifiers: Orphanet 51, MedGen C2749659, MONDO:0013059, OMIM 612952.

gnomAD v4.1: 1 of 1,614,228 alleles (0.000062%); highest among the groups gnomAD compares: Non-Finnish European, 0.000085%; no homozygotes.

Submissions (2):

Ambry Genetics
Classification: Uncertain significance for Inborn genetic diseases. Last evaluated: 2023-12-28. Review status: criteria provided, single submitter. Criteria: Ambry Variant Classification Scheme 2023. Collection method: clinical testing. Allele origin: germline.

Labcorp Genetics (formerly Invitae), Labcorp
Classification: Uncertain significance for Aicardi-Goutieres syndrome 5. Last evaluated: 2021-08-29. Review status: criteria provided, single submitter. Criteria: Invitae Variant Classification Sherloc (09022015). Collection method: clinical testing. Allele origin: germline.
Comment: This sequence change replaces tyrosine with cysteine at codon 553 of the SAMHD1 protein (p.Tyr553Cys). The tyrosine residue is weakly conserved and there is a large physicochemical difference between tyrosine and cysteine. This variant is not present in population databases (ExAC no frequency). This variant has not been reported in the literature in individuals affected with SAMHD1-related conditions. Algorithms developed to predict the effect of missense changes on protein structure and function are either unavailable or do not agree on the potential impact of this missense change (SIFT: "Deleterious"; PolyPhen-2: "Probably Damaging"; Align-GVGD: "Class C0"). In summary, the available evidence is currently insufficient to determine the role of this variant in disease. Therefore, it has been classified as a Variant of Uncertain Significance.

NM_015474.4(SAMHD1):c.1658A>G (p.Tyr553Cys)

Gene: SAMHD1 (SAM and HD domain containing deoxynucleoside triphosphate triphosphohydrolase 1; minus strand). Cytogenetic location: 20q11.23.
Variant type: single nucleotide variant.
Coding change: c.1658A>G on transcript NM_015474.4 (MANE Select); coding-DNA position 1658, A replaced by G.
Protein change: p.Tyr553Cys; replaces tyrosine 553 with cysteine.
Molecular consequence: missense variant.
Genome position (GRCh38, 1-based): chr20:36,897,910, T>C on the plus strand (A>G on the coding strand, the complement: SAMHD1 is on the minus strand). VCF-style: chr20-36897910-T-C. GRCh37 (hg19) VCF-style: chr20-35526313-T-C.
Other names: c.1553A>G, p.Tyr518Cys (NM_001363729.2); c.1658A>G, p.Tyr553Cys (NM_001363733.2); c.1658A>G (NM_015474.3); short protein forms Y553C, Y518C.
Identifiers: ClinVar variation 1413960 (VCV001413960.7), dbSNP rs2148355563, ClinGen allele CA408839512.
Genomic context (GRCh38, chr20:36,897,910, plus strand): 5'-CACCACTGAACAAAATATTGTCTTGCGGCATACAAACTCTTTCTGTCCACCTTCTTACAA[T>C]ATACTCGAATCAGCTGCTCTGCAAATTTCTCTGGCAGAAGTTGTGAAACCTTTTTAAAAT-3'
Protein context (NP_056289.2, residues 543-563): EKFAEQLIRV[Tyr553Cys]CKKVDRKSLY